The following is an entry in ClinVar:

ClinVar aggregate classification (germline): Likely benign. Review status: criteria provided, multiple submitters, no conflicts (2 of 4 stars). 3 submissions from 3 submitters: Likely benign (2). 1 of the submissions does not count toward it. Last evaluated 2025-09-16.

Conditions:
ROBO1-related disorder. Also called: ROBO1-related condition.

Allele frequency attached by ClinVar (database versions not stated): gnomAD exomes 0.00032 and 0.00075; ExAC 0.00081; ESP Exome Variant Server 0.00225; gnomAD 0.00257 and 0.00274; 1000 Genomes Project 0.00260; 1000 Genomes Project 30x 0.00281; TOPMed 0.00281.
gnomAD v4.1: 881 of 1,612,482 alleles (0.055%); highest among the groups gnomAD compares: African/African-American, 0.81%; 7 homozygotes.

Submissions (3):

Labcorp Genetics (formerly Invitae), Labcorp
Classification: Likely benign. Last evaluated: 2025-09-16. Review status: criteria provided, single submitter. Criteria: Invitae Variant Classification Sherloc (09022015). Collection method: clinical testing. Allele origin: germline.

Breakthrough Genomics
Classification: Likely benign. Review status: criteria provided, single submitter. Criteria: ACMG Guidelines, 2015. Collection method: not provided. Allele origin: germline. Inheritance: Unknown mechanism. Affected: yes.

PreventionGenetics, part of Exact Sciences
Classification: Benign for ROBO1-related condition. Last evaluated: 2019-05-28. Review status: no assertion criteria provided. Collection method: clinical testing. Allele origin: germline. Not counted in ClinVar's aggregate classification.
Comment: This variant is classified as benign based on ACMG/AMP sequence variant interpretation guidelines (Richards et al. 2015 PMID: 25741868, with internal and published modifications).

NM_002941.4(ROBO1):c.4744+6C>T

Gene: ROBO1 (roundabout guidance receptor 1; minus strand). Cytogenetic location: 3p12.3.
Variant type: single nucleotide variant.
Coding change: c.4744+6C>T on transcript NM_002941.4 (MANE Select); 6 bases into the intron after coding-DNA position 4744, C replaced by T.
Molecular consequence: intron variant.
Genome position (GRCh38, 1-based): chr3:78,606,727, G>A on the plus strand (C>T on the coding strand, the complement: ROBO1 is on the minus strand). VCF-style: chr3-78606727-G-A. GRCh37 (hg19) VCF-style: chr3-78655877-G-A.
Other names: c.4444+6C>T (NM_001145845.2); c.4609+6C>T (NM_133631.4).
Identifiers: ClinVar variation 713549 (VCV000713549.12), dbSNP rs115569493, ClinGen allele CA2497980.